The following is an entry in ClinVar:

ClinVar aggregate classification (germline): Likely benign. Review status: criteria provided, multiple submitters, no conflicts (2 of 4 stars). 3 submissions from 3 submitters: Likely benign (3). Last evaluated 2018-07-14.

Conditions:
Osteogenesis imperfecta type 13. Also called: OI, TYPE XIII; Osteogenesis imperfecta, type xiii. Identifiers: Orphanet 666, MedGen C3553887, MONDO:0013924, OMIM 614856.

Allele frequency attached by ClinVar (database versions not stated): 1000 Genomes Project 30x 0.00515; 1000 Genomes Project 0.00519; TOPMed 0.01097; gnomAD 0.01271 and 0.01272; gnomAD exomes 0.01821.
gnomAD v4.1: 26,981 of 1,535,984 alleles (1.8%); highest among the groups gnomAD compares: South Asian, 2.5%; 311 homozygotes.

Submissions (3):

GeneDx
Classification: Likely benign. Last evaluated: 2018-07-14. Review status: criteria provided, single submitter. Criteria: GeneDx Variant Classification Process June 2021. Collection method: clinical testing. Allele origin: germline. Affected: yes.

Illumina Laboratory Services, Illumina
Classification: Likely benign for Osteogenesis imperfecta type 13. Last evaluated: 2018-01-13. Review status: criteria provided, single submitter. Criteria: ICSL Variant Classification Criteria 13 December 2019. Collection method: clinical testing. Allele origin: germline.
Comment: This variant was observed in the ICSL laboratory as part of a predisposition screen in an ostensibly healthy population. It had not been previously curated by ICSL or reported in the Human Gene Mutation Database (HGMD: prior to June 1st, 2018), and was therefore a candidate for classification through an automated scoring system. Utilizing variant allele frequency, disease prevalence and penetrance estimates, and inheritance mode, an automated score was calculated to assess if this variant is too frequent to cause the disease. Based on the score and internal cut-off values, a variant classified as likely benign is not then subjected to further curation. The score for this variant resulted in a classification of likely benign for this disease.

Breakthrough Genomics
Classification: Likely benign. Review status: criteria provided, single submitter. Criteria: ACMG Guidelines, 2015. Collection method: not provided. Allele origin: germline. Inheritance: Autosomal recessive inheritance. Affected: yes.

NM_006129.5(BMP1):c.*108A>C

Gene: BMP1 (bone morphogenetic protein 1; plus strand). Cytogenetic location: 8p21.3.
Variant type: single nucleotide variant.
Coding change: c.*108A>C on transcript NM_006129.5 (MANE Select); 108 bases downstream of the stop codon, A replaced by C.
Molecular consequence: 3 prime UTR variant. On other transcripts: non-coding transcript variant (1).
Genome position (GRCh38, 1-based): chr8:22,211,836, A>C. VCF-style: chr8-22211836-A-C. GRCh37 (hg19) VCF-style: chr8-22069349-A-C.
Identifiers: ClinVar variation 362606 (VCV000362606.9), dbSNP rs556361110, ClinGen allele CA10625197.